The following is an entry in ClinVar:

NM_000038.6(APC):c.2661T>C (p.Ile887=)

Gene: APC (APC regulator of Wnt signaling pathway; plus strand). Cytogenetic location: 5q22.2.
Variant type: single nucleotide variant.
Coding change: c.2661T>C on transcript NM_000038.6 (MANE Select); coding-DNA position 2661, T replaced by C.
Protein change: p.Ile887=; no amino-acid change (isoleucine 887 retained).
Molecular consequence: synonymous variant. On other transcripts: non-coding transcript variant (2).
Genome position (GRCh38, 1-based): chr5:112,838,255, T>C. VCF-style: chr5-112838255-T-C. GRCh37 (hg19) VCF-style: chr5-112173952-T-C.
Other names: c.2661T>C, p.Ile887= (NM_001127510.3, NM_001354895.2, NM_001407450.1); c.2607T>C, p.Ile869= (NM_001127511.3); c.2715T>C, p.Ile905= (NM_001354896.2, NM_001407447.1, NM_001407448.1 and 1 more transcripts); c.2691T>C, p.Ile897= (NM_001354897.2); c.2586T>C, p.Ile862= (NM_001354898.2); c.2577T>C, p.Ile859= (NM_001354899.2); c.2538T>C, p.Ile846= (NM_001354900.2); c.2484T>C, p.Ile828= (NM_001354901.2, NM_001407453.1); and 11 more.
Identifiers: ClinVar variation 3148744 (VCV003148744.1), dbSNP rs2533440124, ClinGen allele CA445962991.

ClinVar aggregate classification (germline): Benign (1 of 4 stars; one submission).

Conditions:
Familial adenomatous polyposis 1 (FAP1). Also called: POLYPOSIS, ADENOMATOUS INTESTINAL; FAMILIAL ADENOMATOUS POLYPOSIS 1, ATTENUATED. Identifiers: MedGen C2713442, MONDO:0021056, OMIM 175100. Disease mechanism: loss of function.

Submission:

Myriad Genetics, Inc.
Classification: Benign for Familial adenomatous polyposis 1. Last evaluated: 2024-03-15. Review status: criteria provided, single submitter. Criteria: Myriad Autosomal Dominant, Autosomal Recessive and X-Linked Classification Criteria (2023). Collection method: clinical testing. Allele origin: unknown.
Comment: This variant is considered benign. This variant is a silent/synonymous amino acid change and it is not expected to impact splicing.